The following is an entry in ClinVar:

ClinVar aggregate classification (germline): Benign. Review status: criteria provided, multiple submitters, no conflicts (2 of 4 stars). 3 submissions from 3 submitters: Benign (3). Last evaluated 2018-06-21.

Conditions:
DICER1-related tumor predisposition. Also called: DICER1-related pleuropulmonary blastoma cancer predisposition syndrome; DICER1 syndrome. Identifiers: Orphanet 284343, MedGen C3839822, MONDO:0100216.

Allele frequency attached by ClinVar (database versions not stated): gnomAD 0.10025 and 0.10571; TOPMed 0.10474; gnomAD exomes 0.12605; 1000 Genomes Project 30x 0.14866; 1000 Genomes Project 0.15575.
gnomAD v4.1: 15,894 of 151,074 alleles (11%); highest among the groups gnomAD compares: East Asian, 38%; 1,134 homozygotes.

Submissions (3):

GeneDx
Classification: Benign. Last evaluated: 2018-06-21. Review status: criteria provided, single submitter. Criteria: GeneDx Variant Classification Process June 2021. Collection method: clinical testing. Allele origin: germline. Affected: yes.

Illumina Laboratory Services, Illumina
Classification: Benign for Pleuropulmonary blastoma. Last evaluated: 2018-01-12. Review status: criteria provided, single submitter. Criteria: ICSL Variant Classification Criteria 13 December 2019. Collection method: clinical testing. Allele origin: germline.
Comment: This variant was observed in the ICSL laboratory as part of a predisposition screen in an ostensibly healthy population. It had not been previously curated by ICSL or reported in the Human Gene Mutation Database (HGMD: prior to June 1st, 2018), and was therefore a candidate for classification through an automated scoring system. Utilizing variant allele frequency, disease prevalence and penetrance estimates, and inheritance mode, an automated score was calculated to assess if this variant is too frequent to cause the disease. Based on the score and internal cut-off values, a variant classified as benign is not then subjected to further curation. The score for this variant resulted in a classification of benign for this disease.

Breakthrough Genomics
Classification: Benign. Review status: criteria provided, single submitter. Criteria: ACMG Guidelines, 2015. Collection method: not provided. Allele origin: germline. Inheritance: Autosomal dominant inheritance. Affected: yes.

NM_177438.3(DICER1):c.-73C>T

Genes: DICER1 (dicer 1, ribonuclease III; minus strand), LOC130056358 (ATAC-STARR-seq lymphoblastoid silent region 6042; plus strand). Cytogenetic location: 14q32.13.
Variant type: single nucleotide variant.
Coding change: c.-73C>T on transcript NM_177438.3 (MANE Select); 73 bases upstream of the start codon, C replaced by T.
Molecular consequence: 5 prime UTR variant. On other transcripts: intron variant (2).
Genome position (GRCh38, 1-based): chr14:95,157,257, G>A on the plus strand (C>T on the coding strand, the complement: DICER1 is on the minus strand). VCF-style: chr14-95157257-G-A. GRCh37 (hg19) VCF-style: chr14-95623594-G-A.
Other names: c.-42+674C>T (NM_001291628.2); c.-213+674C>T (NM_030621.4).
Identifiers: ClinVar variation 315115 (VCV000315115.10), dbSNP rs148499550, ClinGen allele CA10645463.